The following is an entry in ClinVar:

ClinVar aggregate classification (germline): Uncertain significance. Review status: criteria provided, multiple submitters, no conflicts (2 of 4 stars). 2 submissions from 2 submitters: Uncertain significance (2). Last evaluated 2017-12-06.

Conditions:
Cardiomyopathy (CMYO). Also called: Cardiomyopathies. Identifiers: Orphanet 167848, MedGen C0878544, MONDO:0004994, HP:0001638. Inheritance: Various modes of inheritance.

Submissions (2):

CHEO Genetics Diagnostic Laboratory, Children's Hospital of Eastern Ontario
Classification: Uncertain significance for Cardiomyopathy. Last evaluated: 2017-12-06. Review status: criteria provided, single submitter. Criteria: ACMG Guidelines, 2015. Collection method: clinical testing. Allele origin: germline.

Laboratory for Molecular Medicine, Mass General Brigham Personalized Medicine
Classification: Uncertain significance. Last evaluated: 2016-12-12. Review status: criteria provided, single submitter. Criteria: LMM Criteria. Collection method: clinical testing. Allele origin: germline. Observed: 1 variant allele.
Comment: proposed classification - variant undergoing re-assessment, contact laboratory

Literature cited by the submitters: PubMed 11861413 (cited by Laboratory for Molecular Medicine, Mass General Brigham Personalized Medicine).

NM_000257.4(MYH7):c.4136C>A (p.Ala1379Asp)

Gene: MYH7 (myosin heavy chain 7; minus strand). Cytogenetic location: 14q11.2.
Variant type: single nucleotide variant.
Coding change: c.4136C>A on transcript NM_000257.4 (MANE Select); coding-DNA position 4136, C replaced by A.
Protein change: p.Ala1379Asp; replaces alanine 1379 with aspartic acid.
Molecular consequence: missense variant.
Genome position (GRCh38, 1-based): chr14:23,418,243, G>T on the plus strand (C>A on the coding strand, the complement: MYH7 is on the minus strand). VCF-style: chr14-23418243-G-T. GRCh37 (hg19) VCF-style: chr14-23887452-G-T.
Other names: short protein forms A1379D.
Identifiers: ClinVar variation 42994 (VCV000042994.6), dbSNP rs397516203, ClinGen allele CA014513.
Genomic context (GRCh38, chr14:23,418,243, plus strand): 5'-CCAGAAGTCAGGCTGCTCAGAACTCACTTGGCCTCCTCGAGCTCCTCAGTCCGCTGAATG[G>T]CGTCCGTCTCATACTTGGTCCTCCACTGGGCCACCTCCGAGTTGGCCTTGGAAAGGACGC-3'
Protein context (NP_000248.2, residues 1369-1389): AQWRTKYETD[Ala1379Asp]IQRTEELEEA